The following is an entry in ClinVar:

NM_001384140.1(PCDH15):c.3717+1del

Gene: PCDH15 (protocadherin related 15; minus strand). Cytogenetic location: 10q21.1.
Variant type: Deletion.
Coding change: c.3717+1del on transcript NM_001384140.1 (MANE Select); the canonical splice donor site of the intron after coding-DNA position 3717, one base deleted (G; older notation c.3717+1delG).
Molecular consequence: splice donor variant.
Genome position (GRCh38, 1-based): chr10:53,866,641, C deleted on the plus strand (G on the coding strand, the reverse complement: PCDH15 is on the minus strand). VCF-style (leftmost placement, unchanged base first): chr10-53866640-AC-A. GRCh37 (hg19) VCF-style: chr10-55626400-AC-A.
Other names: c.3717+1del (NM_001354420.2, NM_001354429.2, NM_001142772.2 and 4 more transcripts); c.3732+1del (NM_001142771.2, NM_001142763.2); c.3738+1del (NM_001354411.2); c.3753+1del (NM_001142769.3); c.3651+1del (NM_001354404.2, NM_001142773.2, NM_001142768.2); c.3606+1del (NM_001142767.2); c.3504+1del (NM_001142765.2).
Identifiers: ClinVar variation 2696634 (VCV002696634.3), dbSNP rs2079476019, ClinGen allele CA1910830213.

ClinVar aggregate classification (germline): Likely pathogenic (1 of 4 stars; one submission).

Allele frequency attached by ClinVar (database versions not stated): TOPMed below 0.00001.

Submission:

Labcorp Genetics (formerly Invitae), Labcorp
Classification: Likely pathogenic. Last evaluated: 2023-11-17. Review status: criteria provided, single submitter. Criteria: Invitae Variant Classification Sherloc (09022015). Collection method: clinical testing. Allele origin: germline.
Comment: This sequence change affects a splice site in intron 27 of the PCDH15 gene. It is expected to disrupt RNA splicing. Variants that disrupt the donor or acceptor splice site typically lead to a loss of protein function (PMID: 16199547), and loss-of-function variants in PCDH15 are known to be pathogenic (PMID: 11398101, 11487575, 14570705). This variant is not present in population databases (gnomAD no frequency). This variant has not been reported in the literature in individuals affected with PCDH15-related conditions. Algorithms developed to predict the effect of sequence changes on RNA splicing suggest that this variant may disrupt the consensus splice site. In summary, the currently available evidence indicates that the variant is pathogenic, but additional data are needed to prove that conclusively. Therefore, this variant has been classified as Likely Pathogenic.

Literature cited by the submitters: PubMed 16199547; PubMed 11398101; PubMed 11487575; PubMed 14570705.